The following is an entry in ClinVar:

NM_001008388.5(CISD2):c.336T>C (p.Gly112=)

Genes: CISD2 (CDGSH iron sulfur domain 2; plus strand), SLC9B1 (solute carrier family 9 member B1; minus strand). Cytogenetic location: 4q24.
Variant type: single nucleotide variant.
Coding change: c.336T>C on transcript NM_001008388.5 (MANE Select); coding-DNA position 336, T replaced by C.
Protein change: p.Gly112=; no amino-acid change (glycine 112 retained).
Molecular consequence: synonymous variant. On other transcripts: intron variant (1).
Genome position (GRCh38, 1-based): chr4:102,887,358, T>C. VCF-style: chr4-102887358-T-C. GRCh37 (hg19) VCF-style: chr4-103808515-T-C.
Other names: p.Gly112=; c.1333-2030A>G (NM_001100874.3).
Identifiers: ClinVar variation 516867 (VCV000516867.3), dbSNP rs199992363, ClinGen allele CA3027733.
Genomic context (GRCh38, chr4:102,887,358, plus strand): 5'-TCATATTTTAAAAATAACACTTGTAATTCTTTTTTCTTTTTAGTTTCCTGCCTGCGATGG[T>C]TCACATAATAAACACAATGAATTGACAGGAGATAATGTGGGTCCACTAATACTGAAGAAG-3'
Protein context (NP_001008389.1, residues 102-122): WRSKTFPACD[Gly112=]SHNKHNELTG

ClinVar aggregate classification (germline): Benign/Likely benign. Review status: criteria provided, multiple submitters, no conflicts (2 of 4 stars). 2 submissions from 2 submitters: Benign (1); Likely benign (1). Last evaluated 2020-01-27.

Allele frequency attached by ClinVar (database versions not stated): ExAC 0.01763.

Submissions (2):

Mayo Clinic Laboratories, Mayo Clinic
Classification: Benign. Last evaluated: 2020-01-27. Review status: criteria provided, single submitter. Criteria: ACMG Guidelines, 2015. Collection method: clinical testing. Allele origin: germline. Observed: 99 variant alleles.

GeneDx
Classification: Likely benign. Last evaluated: 2018-01-25. Review status: criteria provided, single submitter. Criteria: GeneDx Variant Classification (06012015). Collection method: clinical testing. Allele origin: germline. Affected: yes.
Comment: This variant is considered likely benign or benign based on one or more of the following criteria: it is a conservative change, it occurs at a poorly conserved position in the protein, it is predicted to be benign by multiple in silico algorithms, and/or has population frequency not consistent with disease.